The following is an entry in ClinVar:

ClinVar aggregate classification (germline): Conflicting classifications of pathogenicity. Review status: criteria provided, conflicting classifications (1 of 4 stars). 5 submissions from 5 submitters: Uncertain significance (3); Likely benign (1). 1 of the submissions does not count toward it. Last evaluated 2023-11-13.

Conditions:
Cardiovascular phenotype. Identifiers: MedGen CN230736.
ALMS1-related disorder. Also called: ALMS1-related condition.
Alstrom syndrome (ALMS). Identifiers: Orphanet 64, MedGen C0268425, MONDO:0008763, OMIM 203800.

Allele frequency attached by ClinVar (database versions not stated): gnomAD exomes below 0.00001 and 0.00001; ExAC 0.00001; gnomAD 0.00002 and 0.00003; TOPMed 0.00003.
gnomAD v4.1: 5 of 1,613,822 alleles (0.00031%); highest among the groups gnomAD compares: African/African-American, 0.004%; no homozygotes.

Submissions (5):

Ambry Genetics
Classification: Likely benign for Cardiovascular phenotype. Last evaluated: 2023-11-13. Review status: criteria provided, single submitter. Criteria: Ambry Variant Classification Scheme 2023. Collection method: clinical testing. Allele origin: germline.

Fulgent Genetics
Classification: Uncertain significance for Alstrom syndrome. Last evaluated: 2022-01-13. Review status: criteria provided, single submitter. Criteria: ACMG Guidelines, 2015. Collection method: clinical testing. Allele origin: unknown.

Blueprint Genetics
Classification: Uncertain significance. Last evaluated: 2020-08-20. Review status: criteria provided, single submitter. Criteria: ACMG Guidelines, 2015. Collection method: clinical testing. Allele origin: germline.

Women's Health and Genetics/Laboratory Corporation of America, LabCorp
Classification: Uncertain significance. Last evaluated: 2019-12-16. Review status: criteria provided, single submitter. Criteria: LabCorp Variant Classification Summary - May 2015. Collection method: clinical testing. Allele origin: germline.
Comment: Variant summary: ALMS1 c.3481A>G (p.Thr1161Ala, also known as c.3487A>G) results in a non-conservative amino acid change in the encoded protein sequence. Three of five in-silico tools predict a benign effect of the variant on protein function. The variant allele was found at a frequency of 8e-06 in 249110 control chromosomes (gnomAD). The available data on variant occurrences in the general population are insufficient to allow any conclusion about variant significance. To our knowledge, no occurrence of c.3481A>G in individuals affected with Cardiomyopathy and no experimental evidence demonstrating its impact on protein function have been reported. No clinical diagnostic laboratories have submitted clinical-significance assessments for this variant to ClinVar after 2014. Based on the evidence outlined above, the variant was classified as uncertain significance.

PreventionGenetics, part of Exact Sciences
Classification: Uncertain significance for ALMS1-related condition. Last evaluated: 2024-07-07. Review status: no assertion criteria provided. Collection method: clinical testing. Allele origin: germline. Not counted in ClinVar's aggregate classification.
Comment: The ALMS1 c.3487A>G variant is predicted to result in the amino acid substitution p.Ile1163Val. To our knowledge, this variant has not been reported in the literature. This variant is reported in 0.092% of alleles in individuals of East Asian descent in gnomAD. At this time, the clinical significance of this variant is uncertain due to the absence of conclusive functional and genetic evidence.

NM_001378454.1(ALMS1):c.3484A>G (p.Thr1162Ala)

Gene: ALMS1 (ALMS1 centrosome and basal body associated protein; plus strand). Cytogenetic location: 2p13.1.
Variant type: single nucleotide variant.
Coding change: c.3484A>G on transcript NM_001378454.1 (MANE Select); coding-DNA position 3484, A replaced by G.
Protein change: p.Thr1162Ala; replaces threonine 1162 with alanine.
Molecular consequence: missense variant.
Genome position (GRCh38, 1-based): chr2:73,450,011, A>G. VCF-style: chr2-73450011-A-G. GRCh37 (hg19) VCF-style: chr2-73677138-A-G.
Other names: c.3487A>G, p.Thr1163Ala (NM_015120.4); short protein forms T1162A, T1163A.
Identifiers: ClinVar variation 929038 (VCV000929038.6), dbSNP rs763680884, ClinGen allele CA1713534.